The following is an entry in ClinVar:

ClinVar aggregate classification (germline): Benign (1 of 4 stars; one submission).

Allele frequency attached by ClinVar (database versions not stated): gnomAD 0.81433 and 0.81932; TOPMed 0.82827; 1000 Genomes Project 30x 0.87305; 1000 Genomes Project 0.87640.
gnomAD v4.1: 123,997 of 151,152 alleles (82%); highest among the groups gnomAD compares: East Asian, 98%; 51,003 homozygotes.

Submissions (2):

GeneDx
Classification: Benign. Last evaluated: 2018-06-14. Review status: criteria provided, single submitter. Criteria: GeneDx Variant Classification (06012015). Collection method: clinical testing. Allele origin: germline. Affected: yes.
Comment: This variant is considered likely benign or benign based on one or more of the following criteria: it is a conservative change, it occurs at a poorly conserved position in the protein, it is predicted to be benign by multiple in silico algorithms, and/or has population frequency not consistent with disease.

Dr. Peter K. Rogan Lab, Western University
No classification provided (evidence only). Condition: Familial cancer of breast. Review status: no classification provided. Collection method: in vitro. Allele origin: not applicable. Functional consequence: retained intron. Not counted in ClinVar's aggregate classification.

NM_206926.2(SELENON):c.183+298T>G

Gene: SELENON (selenoprotein N; plus strand). Cytogenetic location: 1p36.11.
Variant type: single nucleotide variant.
Coding change: c.183+298T>G on transcript NM_206926.2 (MANE Select); 298 bases into the intron after coding-DNA position 183, T replaced by G.
Molecular consequence: intron variant.
Genome position (GRCh38, 1-based): chr1:25,800,711, T>G. VCF-style: chr1-25800711-T-G. GRCh37 (hg19) VCF-style: chr1-26127202-T-G.
Other names: NC_000001.10:g.26127202T>G; c.183+298T>G (NM_020451.3).
Identifiers: ClinVar variation 680770 (VCV000680770.2), dbSNP rs6676342, ClinGen allele CA10802528.